The following is an entry in ClinVar:

NM_181783.4(TMTC3):c.199C>G (p.His67Asp)

Gene: TMTC3 (transmembrane O-mannosyltransferase targeting cadherins 3; plus strand). Cytogenetic location: 12q21.32.
Variant type: single nucleotide variant.
Coding change: c.199C>G on transcript NM_181783.4 (MANE Select); coding-DNA position 199, C replaced by G.
Protein change: p.His67Asp; replaces histidine 67 with aspartic acid.
Molecular consequence: missense variant. On other transcripts: 5 prime UTR variant (1), non-coding transcript variant (1), intron variant (2).
Genome position (GRCh38, 1-based): chr12:88,153,300, C>G. VCF-style: chr12-88153300-C-G. GRCh37 (hg19) VCF-style: chr12-88547077-C-G.
Other names: c.19C>G, p.His7Asp (NM_001366574.1); c.-69C>G (NM_001366580.1); c.190-988C>G (NM_001366579.1); c.-285-988C>G (NM_001366583.1); short protein forms H67D, H7D.
Identifiers: ClinVar variation 372276 (VCV000372276.4), dbSNP rs754200057, ClinGen allele CA16042278.

ClinVar aggregate classification (germline): Likely pathogenic. Review status: criteria provided, single submitter (1 of 4 stars). 3 submissions from 3 submitters: Likely pathogenic (1). 2 of the submissions do not count toward it. Last evaluated 2020-10-23.

Conditions:
Lissencephaly 8 (LIS8). Identifiers: MedGen C4310646, MONDO:0014992, OMIM 617255.

Submissions (3):

Institute of Medical Genetics and Applied Genomics, University Hospital Tübingen
Classification: Likely pathogenic. Last evaluated: 2020-10-23. Review status: criteria provided, single submitter. Criteria: ACMG Guidelines, 2015. Collection method: clinical testing. Allele origin: germline. Inheritance: Autosomal recessive inheritance. Affected: yes.

Institute of Human Genetics, University of Leipzig Medical Center
Classification: Likely pathogenic for Lissencephaly 8. Last evaluated: 2021-03-07. Review status: no assertion criteria provided. Collection method: clinical testing. Allele origin: germline. Inheritance: Autosomal recessive inheritance. Affected: yes. Not counted in ClinVar's aggregate classification.
Comment: Review of the variants reported in Reuter et al., 2017, PMID: 28097321: PM3,PM2,PP1,PP4

OMIM
Classification: Pathogenic for LISSENCEPHALY 8. Last evaluated: 2016-12-17. Review status: no assertion criteria provided. Collection method: literature only. Allele origin: germline. Not counted in ClinVar's aggregate classification.

Literature cited by the submitters: PubMed 28097321 (cited by Institute of Human Genetics, University of Leipzig Medical Center); PubMed 27773428 (cited by OMIM).